The following is an entry in ClinVar:

NM_014055.4(IFT81):c.1831C>T (p.Gln611Ter)

Gene: IFT81 (intraflagellar transport 81; plus strand). Cytogenetic location: 12q24.11.
Variant type: single nucleotide variant.
Coding change: c.1831C>T on transcript NM_014055.4 (MANE Select); coding-DNA position 1831, C replaced by T.
Protein change: p.Gln611Ter; replaces glutamine 611 with a stop codon.
Molecular consequence: nonsense. On other transcripts: non-coding transcript variant (4).
Genome position (GRCh38, 1-based): chr12:110,209,199, C>T. VCF-style: chr12-110209199-C-T. GRCh37 (hg19) VCF-style: chr12-110647004-C-T.
Other names: c.1831C>T, p.Gln611Ter (NM_001143779.2); c.901C>T, p.Gln301Ter (NM_001347947.2, NM_001347948.2); short protein forms Q301*, Q611*.
Identifiers: ClinVar variation 2010261 (VCV002010261.2), dbSNP rs2500065235, ClinGen allele CA386910450.
Genomic context (GRCh38, chr12:110,209,199, plus strand): 5'-ATTGAAAGTAAATCATTATGTTGACTCCCTAGGGAACAGTATACCAAAAATACTGCTGAA[C>T]AAGAAAACCTTGGAAAGGTAAGAATTATTATTTATTTTTTTAAATGTGTCTAACTGATTC-3'

ClinVar aggregate classification (germline): Uncertain significance (1 of 4 stars; one submission).

Submission:

Labcorp Genetics (formerly Invitae), Labcorp
Classification: Uncertain significance. Last evaluated: 2023-08-30. Review status: criteria provided, single submitter. Criteria: Invitae Variant Classification Sherloc (09022015). Collection method: clinical testing. Allele origin: germline.
Comment: This sequence change creates a premature translational stop signal (p.Gln611*) in the IFT81 gene. While this is not anticipated to result in nonsense mediated decay, it is expected to disrupt the last 66 amino acid(s) of the IFT81 protein. This variant is not present in population databases (gnomAD no frequency). This variant has not been reported in the literature in individuals affected with IFT81-related conditions. ClinVar contains an entry for this variant (Variation ID: 2010261). This variant disrupts the C-terminus of the IFT81 protein. Other variant(s) that disrupt this region (p.Leu645*) have been observed in individuals with IFT81-related conditions (PMID: 32783357). This suggests that this may be a clinically significant region of the protein. In summary, the available evidence is currently insufficient to determine the role of this variant in disease. Therefore, it has been classified as a Variant of Uncertain Significance.

Literature cited by the submitters: PubMed 32783357.